The following is an entry in ClinVar:

NM_000419.5(ITGA2B):c.2029G>A (p.Glu677Lys)

Gene: ITGA2B (integrin subunit alpha 2b; minus strand). Cytogenetic location: 17q21.31.
Variant type: single nucleotide variant.
Coding change: c.2029G>A on transcript NM_000419.5 (MANE Select); coding-DNA position 2029, G replaced by A.
Protein change: p.Glu677Lys; replaces glutamic acid 677 with lysine.
Molecular consequence: missense variant.
Genome position (GRCh38, 1-based): chr17:44,378,427, C>T on the plus strand (G>A on the coding strand, the complement: ITGA2B is on the minus strand). VCF-style: chr17-44378427-C-T. GRCh37 (hg19) VCF-style: chr17-42455795-C-T.
Other names: short protein forms E677K.
Identifiers: ClinVar variation 1210172 (VCV001210172.2), dbSNP rs2143450843, ClinGen allele CA399800002.

ClinVar aggregate classification (germline): Likely pathogenic (3 of 4 stars; one submission).

Conditions:
Glanzmann thrombasthenia. Also called: BLEEDING DISORDER, PLATELET-TYPE, 2; THROMBASTHENIA OF GLANZMANN AND NAEGELI; PLATELET GLYCOPROTEIN IIb-IIIa DEFICIENCY; Thrombasthenia; Glanzmann's thrombasthenia. Identifiers: Orphanet 849, MedGen C0040015, MONDO:0100326.

Allele frequency attached by ClinVar (database versions not stated): gnomAD exomes below 0.00001.
gnomAD v4.1: 2 of 1,613,526 alleles (0.00012%); highest among the groups gnomAD compares: Non-Finnish European, 0.00017%; no homozygotes.

Submission:

ClinGen Platelet Disorders Variant Curation Expert Panel, ClinGen
Classification: Likely pathogenic for Glanzmann thrombasthenia. Last evaluated: 2024-06-06. Review status: reviewed by expert panel. Criteria: ClinGen Platelet ACMG Specifications v2-1. Collection method: curation. Allele origin: germline. Inheritance: Autosomal recessive inheritance.
Comment: The NM_000419.5(ITGA2B):c.2029G>A (p.Glu677Lys) missense variant has a highest population minor allele frequency in gnomAD v4.0 of 0.000002625 (2/761904 alleles) in the European (non-Finnish)population, which is lower than the ClinGen PD VCEP threshold (<0.0001; PM2_Supporting). It has been reported in two patients with GT (PMID: 29675921, Patient 439 of the Glanzmann Thrombasthenia Database). GT1 of PMID: 29675921 is compound heterozygous for Glu677Lys and Arg351Ter (classified Pathogenic by the PD-EP SCV001809862.1; PM3_supporting). GT1 of PMID: 29675921 meets the criteria for PP4_strong; including mucocutaneous bleeding, impaired aggregation with all agonists except ristocetin, and <5% expression of αIIbβ3 measured by flow cytometry. ITGA2B and ITGB3 were sequenced across all exons and intron/exon boundaries. In summary, based on the evidence available at this time, the variant is classified as likely pathogenic. GT-specific criteria applied: PM2_supporting, PM3_supporting, and PP4_strong.